The following is an entry in ClinVar:

NM_000135.4(FANCA):c.3901T>C (p.Ser1301Pro)

Genes: FANCA (FA complementation group A; minus strand), ZNF276 (zinc finger protein 276; plus strand). Cytogenetic location: 16q24.3.
Variant type: single nucleotide variant.
Coding change: c.3901T>C on transcript NM_000135.4 (MANE Select); coding-DNA position 3901, T replaced by C.
Protein change: p.Ser1301Pro; replaces serine 1301 with proline.
Molecular consequence: missense variant. On other transcripts: 3 prime UTR variant (2), non-coding transcript variant (4).
Genome position (GRCh38, 1-based): chr16:89,740,027, A>G on the plus strand (T>C on the coding strand, the complement: FANCA is on the minus strand). VCF-style: chr16-89740027-A-G. GRCh37 (hg19) VCF-style: chr16-89806435-A-G.
Other names: c.3901T>C, p.Ser1301Pro (NM_001286167.3); c.*1781A>G (NM_001113525.2, NM_152287.4); short protein forms S1301P.
Identifiers: ClinVar variation 3602657 (VCV003602657.3).

ClinVar aggregate classification (germline): Conflicting classifications of pathogenicity. Review status: criteria provided, conflicting classifications (1 of 4 stars). 3 submissions from 3 submitters: Uncertain significance (1); Likely benign (2). Last evaluated 2025-06-16.

Conditions:
Fanconi anemia complementation group A (FANCA). Also called: FANCA-Related Fanconi Anemia; Fanconi anemia, group A. Identifiers: Orphanet 84, MedGen C3469521, MONDO:0009215, OMIM 227650.
Inborn genetic diseases. Identifiers: MedGen C0950123, MeSH D030342.

gnomAD v4.1: 9 of 1,614,048 alleles (0.00056%); highest among the groups gnomAD compares: African/African-American, 0.0013%; no homozygotes.

Submissions (3):

Ambry Genetics
Classification: Likely benign for Inborn genetic diseases. Last evaluated: 2025-06-16. Review status: criteria provided, single submitter. Criteria: Ambry Variant Classification Scheme 2023. Collection method: clinical testing. Allele origin: germline.

St. Jude Molecular Pathology, St. Jude Children's Research Hospital
Classification: Uncertain significance for Fanconi anemia complementation group A. Last evaluated: 2024-07-17. Review status: criteria provided, single submitter. Criteria: St. Jude Assertion Criteria 2020. Collection method: clinical testing. Allele origin: germline.
Comment: The FANCA c.3901T>C (p.Ser1301Pro) missense change has a maximum subpopulation frequency of 0.004% in gnomAD v2.1.1. The in silico tool REVEL is inconclusive about a pathogenic or benign effect of this variant on protein function, and functional studies have not been performed. This variant has not been reported in individuals with Fanconi anemia. In summary, the evidence currently available is insufficient to determine the clinical significance of this variant. It has therefore been classified as of uncertain significance.

Blueprint Genetics
Classification: Likely benign. Last evaluated: 2021-03-03. Review status: criteria provided, single submitter. Criteria: ACMG Guidelines, 2015. Collection method: clinical testing. Allele origin: germline.